The following is an entry in ClinVar:

ClinVar aggregate classification (germline): Uncertain significance. Review status: criteria provided, multiple submitters, no conflicts (2 of 4 stars). 4 submissions from 4 submitters: Uncertain significance (4). Last evaluated 2024-12-21.

Conditions:
Cardiovascular phenotype. Identifiers: MedGen CN230736.
Hereditary cancer-predisposing syndrome. Also called: Hereditary neoplastic syndrome; Neoplastic Syndromes, Hereditary; Tumor predisposition; Hereditary Cancer Syndrome. Identifiers: Orphanet 140162, MedGen C0027672, MeSH D009386, MONDO:0015356.
Neurofibromatosis, type 1 (NF1). Also called: VON RECKLINGHAUSEN DISEASE; Peripheral type neurofibromatosis; NEUROFIBROMATOSIS, TYPE I, SOMATIC; Neurofibromatosis, type I. Identifiers: Orphanet 636, MedGen C0027831, MONDO:0018975, OMIM 162200. Disease mechanism: loss of function.

Submissions (4):

Labcorp Genetics (formerly Invitae), Labcorp
Classification: Uncertain significance for Neurofibromatosis, type 1. Last evaluated: 2024-12-21. Review status: criteria provided, single submitter. Criteria: Invitae Variant Classification Sherloc (09022015). Collection method: clinical testing. Allele origin: germline.
Comment: This sequence change replaces alanine, which is neutral and non-polar, with threonine, which is neutral and polar, at codon 1349 of the NF1 protein (p.Ala1349Thr). This variant is not present in population databases (gnomAD no frequency). This variant has not been reported in the literature in individuals affected with NF1-related conditions. ClinVar contains an entry for this variant (Variation ID: 481942). Invitae Evidence Modeling of protein sequence and biophysical properties (such as structural, functional, and spatial information, amino acid conservation, physicochemical variation, residue mobility, and thermodynamic stability) indicates that this missense variant is expected to disrupt NF1 protein function with a positive predictive value of 95%. In summary, the available evidence is currently insufficient to determine the role of this variant in disease. Therefore, it has been classified as a Variant of Uncertain Significance.

Ambry Genetics
Classification: Uncertain significance for Cardiovascular phenotype; Hereditary cancer-predisposing syndrome. Last evaluated: 2023-06-27. Review status: criteria provided, single submitter. Criteria: Ambry Variant Classification Scheme 2023. Collection method: clinical testing. Allele origin: germline.
Comment: The p.A1349T variant (also known as c.4045G>A), located in coding exon 30 of the NF1 gene, results from a G to A substitution at nucleotide position 4045. The alanine at codon 1349 is replaced by threonine, an amino acid with similar properties. This amino acid position is highly conserved in available vertebrate species. In addition, this alteration is predicted to be deleterious by in silico analysis. Since supporting evidence is limited at this time, the clinical significance of this alteration remains unclear.

Genome-Nilou Lab
Classification: Uncertain significance for Neurofibromatosis, type 1. Last evaluated: 2022-03-15. Review status: criteria provided, single submitter. Criteria: ACMG Guidelines, 2015. Collection method: clinical testing. Allele origin: germline. Affected: no.

GeneDx
Classification: Uncertain significance. Last evaluated: 2020-01-20. Review status: criteria provided, single submitter. Criteria: GeneDx Variant Classification (06012015). Collection method: clinical testing. Allele origin: germline. Affected: yes.
Comment: Has not been previously published as pathogenic or benign to our knowledge Not observed in large population cohorts (Lek 2016) In silico analysis, which includes protein predictors and evolutionary conservation, supports a deleterious effect

NM_001042492.3(NF1):c.4045G>A (p.Ala1349Thr)

Gene: NF1 (neurofibromin 1; plus strand). Cytogenetic location: 17q11.2.
Variant type: single nucleotide variant.
Coding change: c.4045G>A on transcript NM_001042492.3 (MANE Select); coding-DNA position 4045, G replaced by A.
Protein change: p.Ala1349Thr; replaces alanine 1349 with threonine.
Molecular consequence: missense variant.
Genome position (GRCh38, 1-based): chr17:31,249,054, G>A. VCF-style: chr17-31249054-G-A. GRCh37 (hg19) VCF-style: chr17-29576072-G-A.
Other names: c.4045G>A, p.Ala1349Thr (NM_000267.4); short protein forms A1349T.
Identifiers: ClinVar variation 481942 (VCV000481942.12), dbSNP rs1555617332, ClinGen allele CA398994964.
Genomic context (GRCh38, chr17:31,249,054, plus strand): 5'-TCAGAGAGCCTTGAGGAAAACCAGCGGAACCTCCTTCAGATGACTGAAAAGTTCTTCCAT[G>A]CCATCATCAGTTCCTCCTCAGAATTCCCCCCTCAACTTCGAAGTGTGTGCCACTGTTTAT-3'
Protein context (NP_001035957.1, residues 1339-1359): LLQMTEKFFH[Ala1349Thr]IISSSSEFPP